The following is an entry in ClinVar:

NM_020433.5(JPH2):c.1225A>C (p.Asn409His)

Gene: JPH2 (junctophilin 2; minus strand). Cytogenetic location: 20q13.12.
Variant type: single nucleotide variant.
Coding change: c.1225A>C on transcript NM_020433.5 (MANE Select); coding-DNA position 1225, A replaced by C.
Protein change: p.Asn409His; replaces asparagine 409 with histidine.
Molecular consequence: missense variant.
Genome position (GRCh38, 1-based): chr20:44,118,568, T>G on the plus strand (A>C on the coding strand, the complement: JPH2 is on the minus strand). VCF-style: chr20-44118568-T-G. GRCh37 (hg19) VCF-style: chr20-42747208-T-G.
Other names: short protein forms N409H.
Identifiers: ClinVar variation 4858562 (VCV004858562.1).

ClinVar aggregate classification (germline): Uncertain significance (1 of 4 stars; one submission).

Conditions:
Cardiovascular phenotype. Identifiers: MedGen CN230736.

Submission:

Ambry Genetics
Classification: Uncertain significance for Cardiovascular phenotype. Last evaluated: 2026-06-14. Review status: criteria provided, single submitter. Criteria: Ambry Variant Classification Scheme 2023. Collection method: clinical testing. Allele origin: germline.
Comment: The p.N409H variant (also known as c.1225A>C), located in coding exon 3 of the JPH2 gene, results from an A to C substitution at nucleotide position 1225. The asparagine at codon 409 is replaced by histidine, an amino acid with similar properties. This amino acid position is conserved. In addition, this alteration is predicted to be tolerated by in silico analysis. Based on the available evidence, the clinical significance of this variant remains unclear.